The following is an entry in ClinVar:

NM_001106.4(ACVR2B):c.1219G>T (p.Val407Leu)

Gene: ACVR2B (activin A receptor type 2B; plus strand). Cytogenetic location: 3p22.2.
Variant type: single nucleotide variant.
Coding change: c.1219G>T on transcript NM_001106.4 (MANE Select); coding-DNA position 1219, G replaced by T.
Protein change: p.Val407Leu; replaces valine 407 with leucine.
Molecular consequence: missense variant.
Genome position (GRCh38, 1-based): chr3:38,482,435, G>T. VCF-style: chr3-38482435-G-T. GRCh37 (hg19) VCF-style: chr3-38523926-G-T.
Other names: short protein forms V407L.
Identifiers: ClinVar variation 4742442 (VCV004742442.1).

ClinVar aggregate classification (germline): Uncertain significance (1 of 4 stars; one submission).

Conditions:
Heterotaxy, visceral, 4, autosomal (HTX4). Identifiers: Orphanet 450, MedGen C3151057, MONDO:0013403, OMIM 613751.

gnomAD v4.1: 94 of 1,612,274 alleles (0.0058%); highest among the groups gnomAD compares: Middle Eastern, 0.13%; no homozygotes.

Submission:

Labcorp Genetics (formerly Invitae), Labcorp
Classification: Uncertain significance for Heterotaxy, visceral, 4, autosomal. Last evaluated: 2025-06-15. Review status: criteria provided, single submitter. Criteria: Invitae Variant Classification Sherloc (09022015). Collection method: clinical testing. Allele origin: germline.
Comment: This sequence change replaces valine, which is neutral and non-polar, with leucine, which is neutral and non-polar, at codon 407 of the ACVR2B protein (p.Val407Leu). This variant is present in population databases (rs750062087, gnomAD 0.07%), and has an allele count higher than expected for a pathogenic variant. This variant has not been reported in the literature in individuals affected with ACVR2B-related conditions. An algorithm developed to predict the effect of missense changes on protein structure and function (PolyPhen-2) suggests that this variant is likely to be tolerated. In summary, the available evidence is currently insufficient to determine the role of this variant in disease. Therefore, it has been classified as a Variant of Uncertain Significance.